The following is an entry in ClinVar:

NM_004006.3(DMD):c.2780C>T (p.Ala927Val)

Gene: DMD (dystrophin; minus strand). Cytogenetic location: Xp21.1.
Variant type: single nucleotide variant.
Coding change: c.2780C>T on transcript NM_004006.3 (MANE Select); coding-DNA position 2780, C replaced by T.
Protein change: p.Ala927Val; replaces alanine 927 with valine.
Molecular consequence: missense variant.
Genome position (GRCh38, 1-based): chrX:32,484,942, G>A on the plus strand (C>T on the coding strand, the complement: DMD is on the minus strand). VCF-style: chrX-32484942-G-A. GRCh37 (hg19) VCF-style: chrX-32503059-G-A.
Other names: c.2756C>T, p.Ala919Val (NM_000109.4); c.2768C>T, p.Ala923Val (NM_004009.3); c.2411C>T, p.Ala804Val (NM_004010.3); short protein forms A923V, A804V, A919V, A927V.
Identifiers: ClinVar variation 934369 (VCV000934369.16), dbSNP rs41312094, ClinGen allele CA10379442.

ClinVar aggregate classification (germline): Conflicting classifications of pathogenicity. Review status: criteria provided, conflicting classifications (1 of 4 stars). 4 submissions from 4 submitters: Uncertain significance (1); Likely benign (2). 1 of the submissions does not count toward it. Last evaluated 2026-01-15.

Conditions:
Cardiovascular phenotype. Identifiers: MedGen CN230736.
Duchenne muscular dystrophy (DMD). Also called: Duchenne Muscular Dystrophy (DMD); MUSCULAR DYSTROPHY, PSEUDOHYPERTROPHIC PROGRESSIVE, DUCHENNE TYPE. Identifiers: Orphanet 98896, MedGen C0013264, MONDO:0010679, OMIM 310200.
Cardiomyopathy (CMYO). Also called: Cardiomyopathies. Identifiers: Orphanet 167848, MedGen C0878544, MONDO:0004994, HP:0001638. Inheritance: Various modes of inheritance.
Dystrophin deficiency.
Becker muscular dystrophy (BMD). Also called: MUSCULAR DYSTROPHY, PSEUDOHYPERTROPHIC PROGRESSIVE, BECKER TYPE; Becker Muscular Dystrophy (BMD). Identifiers: Orphanet 98895, MedGen C0917713, MONDO:0010311, OMIM 300376.

Allele frequency attached by ClinVar (database versions not stated): gnomAD exomes 0.00002 and 0.00003; TOPMed 0.00002; ExAC 0.00003; gnomAD 0.00003 and 0.00004; 1000 Genomes Project 0.00026; 1000 Genomes Project 30x 0.00042.
gnomAD v4.1: 37 of 1,209,405 alleles (0.0031%); highest among the groups gnomAD compares: Non-Finnish European, 0.0041%; no homozygotes.

Submissions (4):

Labcorp Genetics (formerly Invitae), Labcorp
Classification: Likely benign for Duchenne muscular dystrophy. Last evaluated: 2026-01-15. Review status: criteria provided, single submitter. Criteria: Invitae Variant Classification Sherloc (09022015). Collection method: clinical testing. Allele origin: germline.

Ambry Genetics
Classification: Likely benign for Cardiovascular phenotype. Last evaluated: 2024-06-21. Review status: criteria provided, single submitter. Criteria: Ambry Variant Classification Scheme 2023. Collection method: clinical testing. Allele origin: germline.

ARUP Laboratories, Molecular Genetics and Genomics, ARUP Laboratories
Classification: Uncertain significance. Last evaluated: 2021-03-10. Review status: criteria provided, single submitter. Criteria: ARUP Molecular Germline Variant Investigation Process 2021. Collection method: clinical testing. Allele origin: germline.
Comment: The DMD c.2780C>T; p.Ala927Val variant (rs41312094), to our knowledge, is not reported in the medical literature but is reported in ClinVar (Variation ID: 934369). This variant is found in the non-Finnish European population with an allele frequency of .0043% (4/92234 alleles, including 2 hemizygotes) in the Genome Aggregation Database. The alanine at codon 927 is moderately conserved, but computational analyses predict that this variant is neutral (REVEL: 0.027). However, given the lack of clinical and functional data, the significance of the p.Ala927Val variant is uncertain at this time.

Natera, Inc.
Classification: Uncertain significance for Becker muscular dystrophy; Cardiomyopathy; Duchenne muscular dystrophy; Dystrophin deficiency. Last evaluated: 2019-07-12. Review status: no assertion criteria provided. Collection method: clinical testing. Allele origin: germline. Not counted in ClinVar's aggregate classification.